The following is an entry in ClinVar:

NM_000061.3(BTK):c.449G>A (p.Gly150Glu)

Gene: BTK (Bruton tyrosine kinase; minus strand). Cytogenetic location: Xq22.1.
Variant type: single nucleotide variant.
Coding change: c.449G>A on transcript NM_000061.3 (MANE Select); coding-DNA position 449, G replaced by A.
Protein change: p.Gly150Glu; replaces glycine 150 with glutamic acid.
Molecular consequence: missense variant.
Genome position (GRCh38, 1-based): chrX:101,362,632, C>T on the plus strand (G>A on the coding strand, the complement: BTK is on the minus strand). VCF-style: chrX-101362632-C-T. GRCh37 (hg19) VCF-style: chrX-100617620-C-T.
Other names: c.551G>A, p.Gly184Glu (NM_001287344.2); c.449G>A, p.Gly150Glu (NM_001287345.2); short protein forms G150E, G184E.
Identifiers: ClinVar variation 3234961 (VCV003234961.1), dbSNP rs2520611555, ClinGen allele CA413935422.

ClinVar aggregate classification (germline): Uncertain significance (1 of 4 stars; one submission).

Conditions:
X-linked agammaglobulinemia (XLA). Also called: Bruton's agammaglobulinemia; AGAMMAGLOBULINEMIA, X-LINKED, TYPE 1; Agammaglobulinemia, Bruton tyrosine kinase; Agammaglobulinemia, BTK; BTK-deficiency; IMMUNODEFICIENCY 1. Identifiers: Orphanet 229717, Orphanet 47, MedGen C0221026, MONDO:0010421, OMIM 300755.

Submission:

Neuberg Centre For Genomic Medicine, NCGM
Classification: Uncertain significance for X-linked agammaglobulinemia. Review status: criteria provided, single submitter. Criteria: ACMG Guidelines, 2015. Collection method: clinical testing. Allele origin: germline. Inheritance: X-linked recessive inheritance. Affected: yes.
Comment: The missense c.449G>A p.Gly150Glu variant in the BTK gene has not been reported previously as a pathogenic variant nor as a benign variant, to our knowledge. The variant is novel not in any individuals in gnomAD Exomes and 1000 Genomes. The amino acid Glycine at position 150 is changed to a Glutamic acid changing protein sequence and it might alter its composition and physico-chemical properties. The variant is predicted as damaging by SIFT. The amino acid change p.Gly150Glu in BTK is predicted as conserved by GERP++ and PhyloP across 100 vertebrates. For these reasons, this variant has been classified as Uncertain Significance.